The following is an entry in ClinVar:

ClinVar aggregate classification (germline): Pathogenic (1 of 4 stars; one submission).

Conditions:
Idiopathic Pulmonary Fibrosis. Also called: Idiopathic fibrosing alveolitis, chronic form; idiopathic fibrosing alveolitis. Identifiers: Orphanet 2032, MedGen C1800706, MeSH D054990, MONDO:0800504.
Dyskeratosis congenita, autosomal dominant 2. Identifiers: MedGen C3151443, MONDO:0013521, OMIM 613989.

Submission:

Labcorp Genetics (formerly Invitae), Labcorp
Classification: Pathogenic for Dyskeratosis congenita, autosomal dominant 2; Idiopathic Pulmonary Fibrosis. Last evaluated: 2023-07-08. Review status: criteria provided, single submitter. Criteria: Invitae Variant Classification Sherloc (09022015). Collection method: clinical testing. Allele origin: germline.
Comment: For these reasons, this variant has been classified as Pathogenic. This variant has not been reported in the literature in individuals affected with TERT-related conditions. This variant is not present in population databases (gnomAD no frequency). This sequence change creates a premature translational stop signal (p.Val324Cysfs*27) in the TERT gene. It is expected to result in an absent or disrupted protein product. Loss-of-function variants in TERT are known to be pathogenic (PMID: 16247010, 17460043).

Literature cited by the submitters: PubMed 16247010; PubMed 17460043.

NM_198253.3(TERT):c.970del (p.Val324fs)

Gene: TERT (telomerase reverse transcriptase; minus strand). Cytogenetic location: 5p15.33.
Variant type: Deletion.
Coding change: c.970del on transcript NM_198253.3 (MANE Select); coding-DNA position 970, one base deleted (G; older notation c.970delG).
Protein change: p.Val324fs; shifts the reading frame from valine 324.
Molecular consequence: frameshift variant. On other transcripts: non-coding transcript variant (2).
Genome position (GRCh38, 1-based): chr5:1,293,916, C deleted on the plus strand (G on the coding strand, the reverse complement: TERT is on the minus strand); the first of 2 consecutive C bases (chr5:1,293,916-1,293,917); deleting either gives the same sequence. VCF-style (leftmost placement, unchanged base first): chr5-1293915-AC-A. GRCh37 (hg19) VCF-style: chr5-1294030-AC-A.
Other names: c.970del, p.Val324fs (NM_001193376.3); c.969delG, p.Val324Cysfs (NM_003219.1); short protein forms V324fs.
Identifiers: ClinVar variation 2949682 (VCV002949682.3), dbSNP rs2478416695, ClinGen allele CA2740091659.